The following is an entry in ClinVar:

ClinVar aggregate classification (germline): Uncertain significance (1 of 4 stars; one submission).

Submission:

Labcorp Genetics (formerly Invitae), Labcorp
Classification: Uncertain significance. Last evaluated: 2023-12-10. Review status: criteria provided, single submitter. Criteria: Invitae Variant Classification Sherloc (09022015). Collection method: clinical testing. Allele origin: germline.
Comment: This sequence change replaces glutamic acid, which is acidic and polar, with aspartic acid, which is acidic and polar, at codon 301 of the COL2A1 protein (p.Glu301Asp). This variant is not present in population databases (gnomAD no frequency). This variant has not been reported in the literature in individuals affected with COL2A1-related conditions. Advanced modeling of protein sequence and biophysical properties (such as structural, functional, and spatial information, amino acid conservation, physicochemical variation, residue mobility, and thermodynamic stability) performed at Invitae indicates that this missense variant is not expected to disrupt COL2A1 protein function with a negative predictive value of 95%. In summary, the available evidence is currently insufficient to determine the role of this variant in disease. Therefore, it has been classified as a Variant of Uncertain Significance.

NM_001844.5(COL2A1):c.903G>C (p.Glu301Asp)

Gene: COL2A1 (collagen type II alpha 1 chain; minus strand). Cytogenetic location: 12q13.11.
Variant type: single nucleotide variant.
Coding change: c.903G>C on transcript NM_001844.5 (MANE Select); coding-DNA position 903, G replaced by C.
Protein change: p.Glu301Asp; replaces glutamic acid 301 with aspartic acid.
Molecular consequence: missense variant.
Genome position (GRCh38, 1-based): chr12:47,993,830, C>G on the plus strand (G>C on the coding strand, the complement: COL2A1 is on the minus strand). VCF-style: chr12-47993830-C-G. GRCh37 (hg19) VCF-style: chr12-48387613-C-G.
Other names: c.696G>C, p.Glu232Asp (NM_033150.3); short protein forms E301D, E232D.
Identifiers: ClinVar variation 2702113 (VCV002702113.3), dbSNP rs1939821446, ClinGen allele CA384521896.
Genomic context (GRCh38, chr12:47,993,830, plus strand): 5'-TCCCTCCTCCCCATCCCATTGTACTTTCTGGCCTCTCACCTTCACACCAGGAGCACCCGC[C>G]TCTCCCTTAGCACCGTCCAGGCCTGGATAACCCTAGGGAACAAGAGAAAATGTTCAATCA-3'
Protein context (NP_001835.3, residues 291-311): GYPGLDGAKG[Glu301Asp]AGAPGVKGES